The following is an entry in ClinVar:

ClinVar aggregate classification (germline): Uncertain significance (1 of 4 stars; one submission).

Conditions:
Distal hereditary motor neuropathy type 2. Identifiers: Orphanet 139525, MedGen C3711384, MeSH C580044, MONDO:0015352.

Submission:

Labcorp Genetics (formerly Invitae), Labcorp
Classification: Uncertain significance for Distal hereditary motor neuropathy type 2. Last evaluated: 2024-04-06. Review status: criteria provided, single submitter. Criteria: Invitae Variant Classification Sherloc (09022015). Collection method: clinical testing. Allele origin: germline.
Comment: This sequence change replaces glycine, which is neutral and non-polar, with serine, which is neutral and polar, at codon 583 of the FBXO38 protein (p.Gly583Ser). This variant is present in population databases (rs763560816, gnomAD 0.007%). This variant has not been reported in the literature in individuals affected with FBXO38-related conditions. Advanced modeling of protein sequence and biophysical properties (such as structural, functional, and spatial information, amino acid conservation, physicochemical variation, residue mobility, and thermodynamic stability) performed at Invitae indicates that this missense variant is expected to disrupt FBXO38 protein function with a positive predictive value of 80%. In summary, the available evidence is currently insufficient to determine the role of this variant in disease. Therefore, it has been classified as a Variant of Uncertain Significance.

NM_205836.3(FBXO38):c.1747G>A (p.Gly583Ser)

Gene: FBXO38 (F-box protein 38; plus strand). Cytogenetic location: 5q32.
Variant type: single nucleotide variant.
Coding change: c.1747G>A on transcript NM_205836.3 (MANE Select); coding-DNA position 1747, G replaced by A.
Protein change: p.Gly583Ser; replaces glycine 583 with serine.
Molecular consequence: missense variant.
Genome position (GRCh38, 1-based): chr5:148,425,530, G>A. VCF-style: chr5-148425530-G-A. GRCh37 (hg19) VCF-style: chr5-147805093-G-A.
Other names: c.1747G>A, p.Gly583Ser (NM_001271723.2, NM_030793.5); short protein forms G583S.
Identifiers: ClinVar variation 3680521 (VCV003680521.2).